The following is an entry in ClinVar:

NM_000271.5(NPC1):c.1947+7_1947+8insCGGGGG

Gene: NPC1 (NPC intracellular cholesterol transporter 1; minus strand). Cytogenetic location: 18q11.2.
Variant type: Insertion.
Coding change: c.1947+7_1947+8insCGGGGG on transcript NM_000271.5 (MANE Select); bases 7 to 8 of the intron after coding-DNA position 1947, CGGGGG inserted.
Molecular consequence: intron variant.
Genome position: GRCh38 VCF-style: chr18-23544952-C-CCCCCCG. GRCh37 (hg19) VCF-style: chr18-21124916-C-CCCCCCG.
Other names: p.?.
Identifiers: ClinVar variation 755356 (VCV000755356.12), dbSNP rs1555634618, ClinGen allele CA297060597.

ClinVar aggregate classification (germline): Likely benign. Review status: criteria provided, multiple submitters, no conflicts (2 of 4 stars). 3 submissions from 3 submitters: Likely benign (3). Last evaluated 2025-11-24.

Conditions:
Niemann-Pick disease, type C1. Also called: NIEMANN-PICK DISEASE, VARIANT TYPE C1; NEUROVISCERAL STORAGE DISEASE WITH VERTICAL SUPRANUCLEAR OPHTHALMOPLEGIA; NIEMANN-PICK DISEASE WITH CHOLESTEROL ESTERIFICATION BLOCK; NIEMANN-PICK DISEASE WITHOUT SPHINGOMYELINASE DEFICIENCY; NIEMANN-PICK DISEASE, CHRONIC NEURONOPATHIC FORM. Identifiers: Orphanet 646, MedGen C3179455, MONDO:0009757, OMIM 257220.

Submissions (3):

Labcorp Genetics (formerly Invitae), Labcorp
Classification: Likely benign for Niemann-Pick disease, type C1. Last evaluated: 2025-11-24. Review status: criteria provided, single submitter. Criteria: Invitae Variant Classification Sherloc (09022015). Collection method: clinical testing. Allele origin: germline.

Mayo Clinic Laboratories, Mayo Clinic
Classification: Likely benign. Last evaluated: 2025-06-13. Review status: criteria provided, single submitter. Criteria: ACMG Guidelines, 2015. Collection method: clinical testing. Allele origin: germline. Observed: 2 variant alleles.
Comment: BP4, BP7, PM2_moderate

Blueprint Genetics
Classification: Likely benign. Last evaluated: 2023-08-01. Review status: criteria provided, single submitter. Criteria: ACMG Guidelines, 2015. Collection method: clinical testing. Allele origin: germline.